The following is an entry in ClinVar:

NM_000020.3(ACVRL1):c.1078G>A (p.Asp360Asn)

Gene: ACVRL1 (activin A receptor like type 1; plus strand). Cytogenetic location: 12q13.13.
Variant type: single nucleotide variant.
Coding change: c.1078G>A on transcript NM_000020.3 (MANE Select); coding-DNA position 1078, G replaced by A.
Protein change: p.Asp360Asn; replaces aspartic acid 360 with asparagine.
Molecular consequence: missense variant. On other transcripts: intron variant (1).
Genome position (GRCh38, 1-based): chr12:51,916,065, G>A. VCF-style: chr12-51916065-G-A. GRCh37 (hg19) VCF-style: chr12-52309849-G-A.
Other names: c.1078G>A, p.Asp360Asn (NM_001077401.2, NM_001406487.1, NM_001406488.1 and 1 more transcripts); c.766G>A, p.Asp256Asn (NM_001406490.1, NM_001406491.1, NM_001406492.1 and 1 more transcripts); c.514G>A, p.Asp172Asn (NM_001406495.1); c.736+565G>A (NM_001406494.1); short protein forms D172N, D256N, D360N.
Identifiers: ClinVar variation 4687492 (VCV004687492.2).

ClinVar aggregate classification (germline): Uncertain significance. Review status: criteria provided, multiple submitters, no conflicts (2 of 4 stars). 2 submissions from 2 submitters: Uncertain significance (2). Last evaluated 2026-06-15.

Conditions:
Cardiovascular phenotype. Identifiers: MedGen CN230736.

Submissions (2):

Ambry Genetics
Classification: Uncertain significance for Cardiovascular phenotype. Last evaluated: 2026-06-15. Review status: criteria provided, single submitter. Criteria: Ambry Variant Classification Scheme 2023. Collection method: clinical testing. Allele origin: germline.
Comment: The p.D360N variant (also known as c.1078G>A), located in coding exon 7 of the ACVRL1 gene, results from a G to A substitution at nucleotide position 1078. The aspartic acid at codon 360 is replaced by asparagine, an amino acid with highly similar properties. This amino acid position is conserved. In addition, this alteration is predicted to be tolerated by in silico analysis. Based on the available evidence, the clinical significance of this variant remains unclear.

Women's Health and Genetics/Laboratory Corporation of America, LabCorp
Classification: Uncertain significance. Last evaluated: 2025-10-07. Review status: criteria provided, single submitter. Criteria: LabCorp Variant Classification Summary - May 2015. Collection method: clinical testing. Allele origin: germline.
Comment: Variant summary: ACVRL1 c.1078G>A (p.Asp360Asn) results in a conservative amino acid change in the encoded protein sequence. Algorithms developed to predict the effect of missense changes on protein structure and function are either unavailable or do not agree on the potential impact of this missense change. The frequency data for this variant in gnomAD is considered unreliable, as metrics indicate poor data quality at this position. To our knowledge, no occurrence of c.1078G>A in individuals affected with ACVRL1-related conditions and no experimental evidence demonstrating its impact on protein function have been reported. No submitters have cited clinical-significance assessments for this variant to ClinVar. Based on the evidence outlined above, the variant was classified as uncertain significance.